The following is an entry in ClinVar:

ClinVar aggregate classification (germline): Uncertain significance (1 of 4 stars; one submission).

Submission:

GeneDx
Classification: Uncertain significance. Last evaluated: 2024-02-07. Review status: criteria provided, single submitter. Criteria: GeneDx Variant Classification Process June 2021. Collection method: clinical testing. Allele origin: germline. Affected: yes.
Comment: Not observed at significant frequency in large population cohorts (gnomAD); In silico analysis supports that this missense variant does not alter protein structure/function; Has not been previously published as pathogenic or benign to our knowledge

NM_006939.4(SOS2):c.3652C>T (p.Pro1218Ser)

Gene: SOS2 (SOS Ras/Rho guanine nucleotide exchange factor 2; minus strand). Cytogenetic location: 14q21.3.
Variant type: single nucleotide variant.
Coding change: c.3652C>T on transcript NM_006939.4 (MANE Select); coding-DNA position 3652, C replaced by T.
Protein change: p.Pro1218Ser; replaces proline 1218 with serine.
Molecular consequence: missense variant.
Genome position (GRCh38, 1-based): chr14:50,118,691, G>A on the plus strand (C>T on the coding strand, the complement: SOS2 is on the minus strand). VCF-style: chr14-50118691-G-A. GRCh37 (hg19) VCF-style: chr14-50585409-G-A.
Other names: c.3553C>T, p.Pro1185Ser (NM_001411020.1); short protein forms P1185S, P1218S.
Identifiers: ClinVar variation 3368914 (VCV003368914.1).